The following is an entry in ClinVar:

ClinVar aggregate classification (germline): Uncertain significance (1 of 4 stars; one submission).

Submission:

Labcorp Genetics (formerly Invitae), Labcorp
Classification: Uncertain significance. Last evaluated: 2024-04-16. Review status: criteria provided, single submitter. Criteria: Invitae Variant Classification Sherloc (09022015). Collection method: clinical testing. Allele origin: germline.
Comment: This sequence change replaces phenylalanine, which is neutral and non-polar, with leucine, which is neutral and non-polar, at codon 11 of the FOCAD protein (p.Phe11Leu). This variant is not present in population databases (gnomAD no frequency). This variant has not been reported in the literature in individuals affected with FOCAD-related conditions. Experimental studies and prediction algorithms are not available or were not evaluated, and the functional significance of this variant is currently unknown. In summary, the available evidence is currently insufficient to determine the role of this variant in disease. Therefore, it has been classified as a Variant of Uncertain Significance.

NM_001375567.1(FOCAD):c.33T>A (p.Phe11Leu)

Gene: FOCAD (focadhesin; plus strand). Cytogenetic location: 9p21.3.
Variant type: single nucleotide variant.
Coding change: c.33T>A on transcript NM_001375567.1 (MANE Select); coding-DNA position 33, T replaced by A.
Protein change: p.Phe11Leu; replaces phenylalanine 11 with leucine.
Molecular consequence: missense variant.
Genome position (GRCh38, 1-based): chr9:20,715,386, T>A. VCF-style: chr9-20715386-T-A. GRCh37 (hg19) VCF-style: chr9-20715385-T-A.
Other names: c.33T>A, p.Phe11Leu (NM_001375568.1, NM_001375570.1, NM_017794.5); short protein forms F11L.
Identifiers: ClinVar variation 3650072 (VCV003650072.2).